The following is an entry in ClinVar:

ClinVar aggregate classification (germline): Pathogenic (1 of 4 stars; one submission).

Conditions:
Severe combined immunodeficiency due to DCLRE1C deficiency (RS-SCID). Also called: SCID, AUTOSOMAL RECESSIVE, T CELL-NEGATIVE, B CELL-NEGATIVE, NK CELL-POSITIVE, WITH SENSITIVITY TO IONIZING RADIATION. Identifiers: Orphanet 275, MedGen C1865371, MONDO:0011225, OMIM 602450.

Submission:

Labcorp Genetics (formerly Invitae), Labcorp
Classification: Pathogenic for Athabaskan severe combined immunodeficiency. Last evaluated: 2023-11-05. Review status: criteria provided, single submitter. Criteria: Invitae Variant Classification Sherloc (09022015). Collection method: clinical testing. Allele origin: unknown.
Comment: This variant is a gross deletion of the genomic region encompassing exon(s) 1-6 of the DCLRE1C gene, which includes the initiator codon. This deletion extends beyond the assayed region for this gene and therefore may encompass additional genes. It is expected to result in an absent or disrupted protein product. Loss-of-function variants in DCLRE1C are known to be pathogenic (PMID: 21664875, 26123418). This variant has not been reported in the literature in individuals affected with DCLRE1C-related conditions. For these reasons, this variant has been classified as Pathogenic.

Literature cited by the submitters: PubMed 21664875; PubMed 26123418.

NC_000010.10:g.(?_14977442)_(14996009_?)del

Gene: DCLRE1C (DNA cross-link repair 1C; minus strand). Cytogenetic location: 10p13.
Variant type: Deletion.
Identifiers: ClinVar variation 3244869 (VCV003244869.1).